The following is an entry in ClinVar:

NM_024537.4(CARS2):c.1A>T (p.Met1Leu)

Genes: CARS2 (cysteinyl-tRNA synthetase 2, mitochondrial; minus strand), LOC130010127 (ATAC-STARR-seq lymphoblastoid silent region 5509; plus strand). Cytogenetic location: 13q34.
Variant type: single nucleotide variant.
Coding change: c.1A>T on transcript NM_024537.4 (MANE Select); coding-DNA position 1, A replaced by T.
Protein change: p.Met1Leu; changes the start codon (methionine 1).
Molecular consequence: missense variant, initiator codon variant. On other transcripts: non-coding transcript variant (1), intron variant (1).
Genome position (GRCh38, 1-based): chr13:110,706,093, T>A on the plus strand (A>T on the coding strand, the complement: CARS2 is on the minus strand). VCF-style: chr13-110706093-T-A. GRCh37 (hg19) VCF-style: chr13-111358440-T-A.
Other names: c.1A>T, p.Met1Leu (NM_001352253.3); c.-776+278A>T (NM_001352252.2); short protein forms M1L.
Identifiers: ClinVar variation 656714 (VCV000656714.10), dbSNP rs1456556476, ClinGen allele CA388743601.

ClinVar aggregate classification (germline): Uncertain significance. Review status: criteria provided, multiple submitters, no conflicts (2 of 4 stars). 2 submissions from 2 submitters: Uncertain significance (2). Last evaluated 2025-01-20.

Conditions:
Combined oxidative phosphorylation defect type 27. Also called: Combined oxidative phosphorylation deficiency 27. Identifiers: Orphanet 477774, MedGen C5567608, MONDO:0014728, OMIM 616672.

Submissions (2):

Dasa
Classification: Uncertain significance. Last evaluated: 2025-01-20. Review status: criteria provided, single submitter. Criteria: DASA Assertion Criteria. Collection method: clinical testing. Allele origin: germline.
Comment: NM_024537.4(CARS2):c.1A>T (p.Met1?) is a start-loss variant predicted to alter the translation initiation codon and impair normal protein translation. This variant is rare in population databases. The currently available literature and clinical evidence are not sufficient to establish a definitive association between this variant and the reported condition. Therefore, this variant is classified as a variant of uncertain significance.

Labcorp Genetics (formerly Invitae), Labcorp
Classification: Uncertain significance for Combined oxidative phosphorylation defect type 27. Last evaluated: 2024-01-19. Review status: criteria provided, single submitter. Criteria: Invitae Variant Classification Sherloc (09022015). Collection method: clinical testing. Allele origin: germline.
Comment: This sequence change affects the initiator methionine of the CARS2 mRNA. The next in-frame methionine is located at codon 114. This variant is not present in population databases (gnomAD no frequency). This variant has not been reported in the literature in individuals affected with CARS2-related conditions. ClinVar contains an entry for this variant (Variation ID: 656714). In summary, the available evidence is currently insufficient to determine the role of this variant in disease. Therefore, it has been classified as a Variant of Uncertain Significance.